The following is an entry in ClinVar:

NM_004168.4(SDHA):c.1861C>G (p.His621Asp)

Gene: SDHA (succinate dehydrogenase complex flavoprotein subunit A; plus strand). Cytogenetic location: 5p15.33.
Variant type: single nucleotide variant.
Coding change: c.1861C>G on transcript NM_004168.4 (MANE Select); coding-DNA position 1861, C replaced by G.
Protein change: p.His621Asp; replaces histidine 621 with aspartic acid.
Molecular consequence: missense variant.
Genome position (GRCh38, 1-based): chr5:254,459, C>G. VCF-style: chr5-254459-C-G. GRCh37 (hg19) VCF-style: chr5-254574-C-G.
Other names: c.1717C>G, p.His573Asp (NM_001294332.2); c.1618C>G, p.His540Asp (NM_001330758.2); c.1861C>G (NM_004168.2); short protein forms H621D, H573D, H540D.
Identifiers: ClinVar variation 645526 (VCV000645526.10), dbSNP rs1554002475, ClinGen allele CA359001991.

ClinVar aggregate classification (germline): Uncertain significance. Review status: criteria provided, multiple submitters, no conflicts (2 of 4 stars). 2 submissions from 2 submitters: Uncertain significance (2). Last evaluated 2026-07-11.

Conditions:
Mitochondrial complex II deficiency, nuclear type 1. Also called: SUCCINATE CoQ REDUCTASE DEFICIENCY. Identifiers: Orphanet 3208, MedGen C5700310, MONDO:0100294, OMIM 252011.
Pheochromocytoma/paraganglioma syndrome 5. Also called: Paragangliomas 5; SDHA-Related Hereditary Paraganglioma-Pheochromocytoma Syndrome. Identifiers: Orphanet 29072, MedGen C3279992, MONDO:0013602, OMIM 614165.
Hereditary cancer-predisposing syndrome. Also called: Neoplastic Syndromes, Hereditary; Hereditary Cancer Syndrome; Hereditary neoplastic syndrome; Tumor predisposition. Identifiers: Orphanet 140162, MedGen C0027672, MeSH D009386, MONDO:0015356.

Submissions (2):

Ambry Genetics
Classification: Uncertain significance for Hereditary cancer-predisposing syndrome. Last evaluated: 2026-07-11. Review status: criteria provided, single submitter. Criteria: Ambry Variant Classification Scheme 2023. Collection method: clinical testing. Allele origin: germline.
Comment: The p.H621D variant (also known as c.1861C>G), located in coding exon 14 of the SDHA gene, results from a C to G substitution at nucleotide position 1861. The histidine at codon 621 is replaced by aspartic acid, an amino acid with similar properties. This amino acid position is conserved. In addition, this alteration is predicted to be deleterious by in silico analysis. Based on the available evidence, the clinical significance of this variant remains unclear.

Labcorp Genetics (formerly Invitae), Labcorp
Classification: Uncertain significance for Pheochromocytoma/paraganglioma syndrome 5; Mitochondrial complex II deficiency, nuclear type 1. Last evaluated: 2018-09-12. Review status: criteria provided, single submitter. Criteria: Invitae Variant Classification Sherloc (09022015). Collection method: clinical testing. Allele origin: germline.
Comment: Algorithms developed to predict the effect of missense changes on protein structure and function are either unavailable or do not agree on the potential impact of this missense change (SIFT: "Deleterious"; PolyPhen-2: "Benign"; Align-GVGD: "Class C65"). In summary, the available evidence is currently insufficient to determine the role of this variant in disease. Therefore, it has been classified as a Variant of Uncertain Significance. This variant has not been reported in the literature in individuals with SDHA-related disease. This variant is not present in population databases (ExAC no frequency). This sequence change replaces histidine with aspartic acid at codon 621 of the SDHA protein (p.His621Asp). The histidine residue is highly conserved and there is a moderate physicochemical difference between histidine and aspartic acid.